The following is an entry in ClinVar:

ClinVar aggregate classification (germline): Conflicting classifications of pathogenicity. Review status: criteria provided, conflicting classifications (1 of 4 stars). 3 submissions from 3 submitters: Uncertain significance (1); Likely benign (2). Last evaluated 2025-02-21.

Conditions:
Hereditary cancer-predisposing syndrome. Also called: Tumor predisposition; Hereditary neoplastic syndrome; Hereditary Cancer Syndrome; Neoplastic Syndromes, Hereditary. Identifiers: Orphanet 140162, MedGen C0027672, MeSH D009386, MONDO:0015356.

Allele frequency attached by ClinVar (database versions not stated): gnomAD exomes below 0.00001; gnomAD 0.00001; TOPMed 0.00001.
gnomAD v4.1: 3 of 1,612,048 alleles (0.00019%); highest among the groups gnomAD compares: Admixed American, 0.0017%; no homozygotes.

Submissions (3):

GeneDx
Classification: Uncertain significance. Last evaluated: 2025-02-21. Review status: criteria provided, single submitter. Criteria: GeneDx Variant Classification Process June 2021. Collection method: clinical testing. Allele origin: germline. Affected: yes.
Comment: Not observed at significant frequency in large population cohorts (gnomAD); In silico analysis indicates that this variant does not alter splicing; Has not been previously published as pathogenic or benign to our knowledge

Labcorp Genetics (formerly Invitae), Labcorp
Classification: Likely benign. Last evaluated: 2024-08-28. Review status: criteria provided, single submitter. Criteria: Invitae Variant Classification Sherloc (09022015). Collection method: clinical testing. Allele origin: germline.

Ambry Genetics
Classification: Likely benign for Hereditary cancer-predisposing syndrome. Last evaluated: 2019-08-15. Review status: criteria provided, single submitter. Criteria: Ambry Variant Classification Scheme 2023. Collection method: clinical testing. Allele origin: germline.

NM_002528.7(NTHL1):c.402C>G (p.Thr134=)

Gene: NTHL1 (nth like DNA glycosylase 1; minus strand). Cytogenetic location: 16p13.3.
Variant type: single nucleotide variant.
Coding change: c.402C>G on transcript NM_002528.7 (MANE Select); coding-DNA position 402, C replaced by G.
Protein change: p.Thr134=; no amino-acid change (threonine 134 retained).
Molecular consequence: synonymous variant. On other transcripts: intron variant (1).
Genome position (GRCh38, 1-based): chr16:2,044,753, G>C on the plus strand (C>G on the coding strand, the complement: NTHL1 is on the minus strand). VCF-style: chr16-2044753-G-C. GRCh37 (hg19) VCF-style: chr16-2094754-G-C.
Other names: c.72C>G, p.Thr24= (NM_001318194.2); c.355-1027C>G (NM_001318193.2).
Identifiers: ClinVar variation 1098039 (VCV001098039.14), dbSNP rs1169048585, ClinGen allele CA492952993.
Genomic context (GRCh38, chr16:2,044,753, plus strand): 5'-GTCCACCGTCAGGCCCCGCGCCCGCAGTCGCTGCATGGCGCCCGCCGTCACCTGGTCTTT[G>C]GTTTGGCTGGAGAGCATCAGTGACAGCAGCACCTGGTACCTGCGTACCTGCTTGTGCAGT-3'
Protein context (NP_002519.2, residues 124-144): VLLSLMLSSQ[Thr134=]KDQVTAGAMQ